The following is an entry in ClinVar:

ClinVar aggregate classification (germline): Likely pathogenic (1 of 4 stars; one submission).

Submission:

Labcorp Genetics (formerly Invitae), Labcorp
Classification: Likely pathogenic. Last evaluated: 2023-06-11. Review status: criteria provided, single submitter. Criteria: Invitae Variant Classification Sherloc (09022015). Collection method: clinical testing. Allele origin: germline.
Comment: In summary, the currently available evidence indicates that the variant is pathogenic, but additional data are needed to prove that conclusively. Therefore, this variant has been classified as Likely Pathogenic. Algorithms developed to predict the effect of sequence changes on RNA splicing suggest that this variant may disrupt the consensus splice site. This variant has not been reported in the literature in individuals affected with TG-related conditions. This variant is not present in population databases (gnomAD no frequency). This sequence change affects an acceptor splice site in intron 23 of the TG gene. It is expected to disrupt RNA splicing. Variants that disrupt the donor or acceptor splice site typically lead to a loss of protein function (PMID: 16199547), and loss-of-function variants in TG are known to be pathogenic (PMID: 19837936, 23164529).

Literature cited by the submitters: PubMed 16199547; PubMed 19837936; PubMed 23164529.

NM_003235.5(TG):c.4817-2A>C

Gene: TG (thyroglobulin; plus strand). Cytogenetic location: 8q24.22.
Variant type: single nucleotide variant.
Coding change: c.4817-2A>C on transcript NM_003235.5 (MANE Select); the canonical splice acceptor site of the intron before coding-DNA position 4817, A replaced by C.
Molecular consequence: splice acceptor variant.
Genome position (GRCh38, 1-based): chr8:132,933,559, A>C. VCF-style: chr8-132933559-A-C. GRCh37 (hg19) VCF-style: chr8-133945804-A-C.
Identifiers: ClinVar variation 2829199 (VCV002829199.3), dbSNP rs2490509564, ClinGen allele CA372249919.